The following is an entry in ClinVar:

ClinVar aggregate classification (germline): Pathogenic/Likely pathogenic. Review status: criteria provided, multiple submitters, no conflicts (2 of 4 stars). 4 submissions from 4 submitters: Pathogenic (2); Likely pathogenic (1). 1 of the submissions does not count toward it. Last evaluated 2024-04-09.

Conditions:
Mitochondrial complex III deficiency nuclear type 2. Identifiers: MedGen C3554605, MONDO:0014063, OMIM 615157.
Autism (AUTS). Also called: Autistic disorder; Autistic disorder of childhood onset. Identifiers: MedGen C0004352, MeSH D001321, MONDO:0005260, OMIM 209850, HP:0000717.

Allele frequency attached by ClinVar (database versions not stated): ExAC 0.00001; TOPMed 0.00003; gnomAD 0.00004.
gnomAD v4.1: 13 of 1,604,622 alleles (0.00081%); highest among the groups gnomAD compares: African/African-American, 0.011%; no homozygotes.

Submissions (4):

GeneDx
Classification: Pathogenic. Last evaluated: 2024-04-09. Review status: criteria provided, single submitter. Criteria: GeneDx Variant Classification Process June 2021. Collection method: clinical testing. Allele origin: germline. Affected: yes.
Comment: Nonsense variant predicted to result in protein truncation or nonsense mediated decay in a gene for which loss of function is a known mechanism of disease; Has not been previously published as pathogenic or benign to our knowledge

Genetic Services Laboratory, University of Chicago
Classification: Likely pathogenic. Last evaluated: 2020-05-31. Review status: criteria provided, single submitter. Criteria: ACMG Guidelines, 2015. Collection method: clinical testing. Allele origin: germline. Affected: yes.
Comment: The sequence change in exon 7, c.583C>T, results in the creation of a premature stop codon at amino acid position 195, p.Gln195*. This sequence change has been described in the gnomAD database with a low population frequency of 0.0031% (dbSNP rs764720544). This sequence change is predicted to result in an abnormal transcript, which may be degraded, or may lead to the production of a truncated TTC19 protein with potentially abnormal function. This sequence change has not been previously described in patients with TTC19-related mitochondrial complex deficiency; however, other truncating variants have been described in this gene. These collective evidences indicate that this sequence change is likely pathogenic.

HudsonAlpha Institute for Biotechnology
Classification: Pathogenic for Mitochondrial complex III deficiency nuclear type 2. Last evaluated: 2020-05-13. Review status: criteria provided, single submitter. Criteria: ACMG Guidelines, 2015. Collection method: research. Allele origin: unknown. Affected: yes. Observed: 1 compound heterozygote. Study: CSER-HudsonAlpha.
Comment: ACMG codes:PVS1, PM2, PP4

Centre for Addiction & Mental Health
Classification: Uncertain significance for Autism. Review status: no assertion criteria provided. Collection method: research. Allele origin: biparental. Affected: yes. Observed: 1 homozygote. Segregation with disease not observed. Not counted in ClinVar's aggregate classification.

NM_017775.4(TTC19):c.583C>T (p.Gln195Ter)

Gene: TTC19 (tetratricopeptide repeat domain 19; plus strand). Cytogenetic location: 17p12.
Variant type: single nucleotide variant.
Coding change: c.583C>T on transcript NM_017775.4 (MANE Select); coding-DNA position 583, C replaced by T.
Protein change: p.Gln195Ter; replaces glutamine 195 with a stop codon.
Molecular consequence: nonsense.
Genome position (GRCh38, 1-based): chr17:16,006,475, C>T. VCF-style: chr17-16006475-C-T. GRCh37 (hg19) VCF-style: chr17-15909789-C-T.
Other names: c.262C>T, p.Gln88Ter (NM_001271420.2); short protein forms Q195*, Q88*.
Identifiers: ClinVar variation 982298 (VCV000982298.7), dbSNP rs764720544, ClinGen allele CA8407465.